The following is an entry in ClinVar:

ClinVar aggregate classification (germline): Uncertain significance (1 of 4 stars; one submission).

Conditions:
Primary ciliary dyskinesia. Also called: Ciliary dyskinesia. Identifiers: Orphanet 244, MedGen C0008780, MONDO:0016575, HP:0012265.

Submission:

Ambry Genetics
Classification: Uncertain significance for Primary ciliary dyskinesia. Last evaluated: 2023-04-13. Review status: criteria provided, single submitter. Criteria: Ambry Variant Classification Scheme 2023. Collection method: clinical testing. Allele origin: germline.
Comment: The p.K3087E variant (also known as c.9259A>G), located in coding exon 56 of the DNAH11 gene, results from an A to G substitution at nucleotide position 9259. The lysine at codon 3087 is replaced by glutamic acid, an amino acid with similar properties. This amino acid position is conserved. In addition, this alteration is predicted to be tolerated by in silico analysis. Since supporting evidence is limited at this time, the clinical significance of this alteration remains unclear.

NM_001277115.2(DNAH11):c.9259A>G (p.Lys3087Glu)

Gene: DNAH11 (dynein axonemal heavy chain 11; plus strand). Cytogenetic location: 7p15.3.
Variant type: single nucleotide variant.
Coding change: c.9259A>G on transcript NM_001277115.2 (MANE Select); coding-DNA position 9259, A replaced by G.
Protein change: p.Lys3087Glu; replaces lysine 3087 with glutamic acid.
Molecular consequence: missense variant.
Genome position (GRCh38, 1-based): chr7:21,773,922, A>G. VCF-style: chr7-21773922-A-G. GRCh37 (hg19) VCF-style: chr7-21813540-A-G.
Other names: c.9280A>G, p.Lys3094Glu (NM_003777.3); short protein forms K3087E, K3094E.
Identifiers: ClinVar variation 2568401 (VCV002568401.2), dbSNP rs2535218235, ClinGen allele CA366936678.